The following is an entry in ClinVar:

ClinVar aggregate classification (germline): Likely pathogenic (1 of 4 stars; one submission).

Conditions:
PRPH2-related disorder. Also called: PRPH2-related condition; PRPH2-related disorders. Identifiers: MedGen CN239395.

Submission:

Labcorp Genetics (formerly Invitae), Labcorp
Classification: Likely pathogenic for PRPH2-related disorder. Last evaluated: 2025-01-15. Review status: criteria provided, single submitter. Criteria: Invitae Variant Classification Sherloc (09022015). Collection method: clinical testing. Allele origin: germline.
Comment: This sequence change replaces tyrosine, which is neutral and polar, with aspartic acid, which is acidic and polar, at codon 141 of the PRPH2 protein (p.Tyr141Asp). This variant is not present in population databases (gnomAD no frequency). This variant has not been reported in the literature in individuals affected with PRPH2-related conditions. ClinVar contains an entry for this variant (Variation ID: 2748549). Invitae Evidence Modeling of protein sequence and biophysical properties (such as structural, functional, and spatial information, amino acid conservation, physicochemical variation, residue mobility, and thermodynamic stability) indicates that this missense variant is expected to disrupt PRPH2 protein function with a positive predictive value of 95%. This variant disrupts the p.Tyr141 amino acid residue in PRPH2. Other variant(s) that disrupt this residue have been determined to be pathogenic (PMID: 16113362, 16799052, 25001182, 25082885, 25097241). This suggests that this residue is clinically significant, and that variants that disrupt this residue are likely to be disease-causing. In summary, the currently available evidence indicates that the variant is pathogenic, but additional data are needed to prove that conclusively. Therefore, this variant has been classified as Likely Pathogenic.

Literature cited by the submitters: PubMed 16113362; PubMed 16799052; PubMed 25001182; PubMed 25082885; PubMed 25097241.

NM_000322.5(PRPH2):c.421T>G (p.Tyr141Asp)

Gene: PRPH2 (peripherin 2; minus strand). Cytogenetic location: 6p21.1.
Variant type: single nucleotide variant.
Coding change: c.421T>G on transcript NM_000322.5 (MANE Select); coding-DNA position 421, T replaced by G.
Protein change: p.Tyr141Asp; replaces tyrosine 141 with aspartic acid.
Molecular consequence: missense variant.
Genome position (GRCh38, 1-based): chr6:42,721,914, A>C on the plus strand (T>G on the coding strand, the complement: PRPH2 is on the minus strand). VCF-style: chr6-42721914-A-C. GRCh37 (hg19) VCF-style: chr6-42689652-A-C.
Other names: short protein forms Y141D.
Identifiers: ClinVar variation 2748549 (VCV002748549.3), dbSNP rs61755780, ClinGen allele CA364137593.
Genomic context (GRCh38, chr6:42,721,914, plus strand): 5'-TCTGCAGCATGTCGATGGTCTTCTTCATGAAACACCTGCCAGGGGTGTCTGTGTCCCGGT[A>C]GTACTTCATGCCGTTCTTGAGCCCTTGGCCCAGGGTGTTCTCCAGCGAGCCCCGAAGCAG-3'
Protein context (NP_000313.2, residues 131-151): GQGLKNGMKY[Tyr141Asp]RDTDTPGRCF